The following is an entry in ClinVar:

NM_000038.6(APC):c.4049A>G (p.Lys1350Arg)

Gene: APC (APC regulator of Wnt signaling pathway; plus strand). Cytogenetic location: 5q22.2.
Variant type: single nucleotide variant.
Coding change: c.4049A>G on transcript NM_000038.6 (MANE Select); coding-DNA position 4049, A replaced by G.
Protein change: p.Lys1350Arg; replaces lysine 1350 with arginine.
Molecular consequence: missense variant. On other transcripts: non-coding transcript variant (2).
Genome position (GRCh38, 1-based): chr5:112,839,643, A>G. VCF-style: chr5-112839643-A-G. GRCh37 (hg19) VCF-style: chr5-112175340-A-G.
Other names: c.4103A>G, p.Lys1368Arg (NM_001407448.1, NM_001407449.1, NM_001354896.2 and 1 more transcripts); c.4049A>G, p.Lys1350Arg (NM_001407450.1, NM_001127510.3, NM_001354895.2); c.4028A>G, p.Lys1343Arg (NM_001407451.1); c.4019A>G, p.Lys1340Arg (NM_001407452.1); c.3872A>G, p.Lys1291Arg (NM_001407453.1, NM_001354901.2); c.3800A>G, p.Lys1267Arg (NM_001407454.1, NM_001407455.1, NM_001407456.1 and 1 more transcripts); c.3746A>G, p.Lys1249Arg (NM_001407458.1, NM_001407459.1, NM_001407460.1 and 1 more transcripts); c.3662A>G, p.Lys1221Arg (NM_001407467.1, NM_001407469.1); and 11 more; short protein forms K1067R, K1267R, K1322R, K1343R, K1350R, K1340R, K1378R, K1224R.
Identifiers: ClinVar variation 3881356 (VCV003881356.1).
Genomic context (GRCh38, chr5:112,839,643, plus strand): 5'-CTAGAACCAAATCCAGCAGACTGCAGGGTTCTAGTTTATCTTCAGAATCAGCCAGGCACA[A>G]AGCTGTTGAATTTTCTTCAGGAGCGAAATCTCCCTCCAAAAGTGGTGCTCAGACACCCAA-3'
Protein context (NP_000029.2, residues 1340-1360): SSLSSESARH[Lys1350Arg]AVEFSSGAKS

ClinVar aggregate classification (germline): Uncertain significance (1 of 4 stars; one submission).

Conditions:
Hereditary cancer-predisposing syndrome. Also called: Tumor predisposition; Neoplastic Syndromes, Hereditary; Hereditary Cancer Syndrome; Hereditary neoplastic syndrome. Identifiers: Orphanet 140162, MedGen C0027672, MeSH D009386, MONDO:0015356.

Submission:

Ambry Genetics
Classification: Uncertain significance for Hereditary cancer-predisposing syndrome. Last evaluated: 2024-12-20. Review status: criteria provided, single submitter. Criteria: Ambry Variant Classification Scheme 2023. Collection method: clinical testing. Allele origin: germline.
Comment: The p.K1350R variant (also known as c.4049A>G), located in coding exon 15 of the APC gene, results from an A to G substitution at nucleotide position 4049. The lysine at codon 1350 is replaced by arginine, an amino acid with highly similar properties. This amino acid position is conserved. In addition, in silico predictors for this gene do not accurately predict pathogenicity. Based on the available evidence, the clinical significance of this variant remains unclear.